The following is an entry in ClinVar:

NM_014915.3(ANKRD26):c.2805C>G (p.Asn935Lys)

Gene: ANKRD26 (ankyrin repeat domain containing 26; minus strand). Cytogenetic location: 10p12.1.
Variant type: single nucleotide variant.
Coding change: c.2805C>G on transcript NM_014915.3 (MANE Select); coding-DNA position 2805, C replaced by G.
Protein change: p.Asn935Lys; replaces asparagine 935 with lysine.
Molecular consequence: missense variant.
Genome position (GRCh38, 1-based): chr10:27,035,645, G>C on the plus strand (C>G on the coding strand, the complement: ANKRD26 is on the minus strand). VCF-style: chr10-27035645-G-C. GRCh37 (hg19) VCF-style: chr10-27324574-G-C.
Other names: c.2802C>G, p.Asn934Lys (NM_001256053.2); short protein forms N935K, N934K.
Identifiers: ClinVar variation 3869355 (VCV003869355.1).

ClinVar aggregate classification (germline): Uncertain significance (1 of 4 stars; one submission).

Conditions:
Inborn genetic diseases. Identifiers: MedGen C0950123, MeSH D030342.

gnomAD v4.1: 1 of 1,588,972 alleles (0.000063%); highest among the groups gnomAD compares: Non-Finnish European, 0.000085%; no homozygotes.

Submission:

Ambry Genetics
Classification: Uncertain significance for Inborn genetic diseases. Last evaluated: 2024-12-17. Review status: criteria provided, single submitter. Criteria: Ambry Variant Classification Scheme 2023. Collection method: clinical testing. Allele origin: germline.
Comment: The p.N935K variant (also known as c.2805C>G), located in coding exon 24 of the ANKRD26 gene, results from a C to G substitution at nucleotide position 2805. The asparagine at codon 935 is replaced by lysine, an amino acid with similar properties. This amino acid position is conserved. In addition, this alteration is predicted to be tolerated by in silico analysis. Based on the available evidence, the clinical significance of this variant remains unclear.